The following is an entry in ClinVar:

ClinVar aggregate classification (germline): Uncertain significance. Review status: criteria provided, multiple submitters, no conflicts (2 of 4 stars). 4 submissions from 4 submitters: Uncertain significance (3). 1 of the submissions does not count toward it. Last evaluated 2026-05-01.

Conditions:
Hypogonadotropic hypogonadism 2 with or without anosmia (HH2). Also called: HYPOGONADOTROPIC HYPOGONADISM 2 WITH OR WITHOUT ANOSMIA, SUSCEPTIBILITY TO; HYPOGONADOTROPIC HYPOGONADISM 2 WITHOUT ANOSMIA, SUSCEPTIBILITY TO; FGFR1-Related GnRH Deficiency (Kallmann Syndrome 2); HYPOGONADOTROPIC HYPOGONADISM 2 WITHOUT ANOSMIA. Identifiers: Orphanet 478, MedGen C1563720, MONDO:0007844, OMIM 147950. Disease mechanism: loss of function.
Pfeiffer syndrome (ACS5). Also called: ACS V. Identifiers: Orphanet 710, MedGen C0220658, MONDO:0007043, OMIM 101600.
FGFR1-related disorder. Also called: FGFR1-related condition; FGFR1-related disorders. Identifiers: MedGen CN380097.

Allele frequency attached by ClinVar (database versions not stated): gnomAD exomes 0.00002; ExAC 0.00003; TOPMed 0.00003.
gnomAD v4.1: 11 of 1,614,226 alleles (0.00068%); highest among the groups gnomAD compares: Admixed American, 0.017%; no homozygotes.

Submissions (4):

CeGaT Center for Human Genetics Tuebingen
Classification: Uncertain significance. Last evaluated: 2026-05-01. Review status: criteria provided, single submitter. Criteria: CeGaT Center For Human Genetics Tuebingen Variant Classification Criteria Version 2. Collection method: clinical testing. Allele origin: germline. Affected: yes. Observed: 1 variant allele.
Comment: FGFR1: PM2, PP3

Labcorp Genetics (formerly Invitae), Labcorp
Classification: Uncertain significance for Pfeiffer syndrome; Hypogonadotropic hypogonadism 2 with or without anosmia. Last evaluated: 2025-07-21. Review status: criteria provided, single submitter. Criteria: Invitae Variant Classification Sherloc (09022015). Collection method: clinical testing. Allele origin: germline.
Comment: This sequence change replaces leucine, which is neutral and non-polar, with proline, which is neutral and non-polar, at codon 443 of the FGFR1 protein (p.Leu443Pro). This variant is present in population databases (rs756375285, gnomAD 0.03%). This variant has not been reported in the literature in individuals affected with FGFR1-related conditions. ClinVar contains an entry for this variant (Variation ID: 1983827). Invitae Evidence Modeling of protein sequence and biophysical properties (such as structural, functional, and spatial information, amino acid conservation, physicochemical variation, residue mobility, and thermodynamic stability) indicates that this missense variant is expected to disrupt FGFR1 protein function with a positive predictive value of 80%. In summary, the available evidence is currently insufficient to determine the role of this variant in disease. Therefore, it has been classified as a Variant of Uncertain Significance.

Women's Health and Genetics/Laboratory Corporation of America, LabCorp
Classification: Uncertain significance. Last evaluated: 2023-02-27. Review status: criteria provided, single submitter. Criteria: LabCorp Variant Classification Summary - May 2015. Collection method: clinical testing. Allele origin: germline.
Comment: Variant summary: FGFR1 c.1328T>C (p.Leu443Pro) results in a non-conservative amino acid change in the encoded protein sequence. Four of five in-silico tools predict a damaging effect of the variant on protein function. The variant allele was found at a frequency of 4.4e-05 in 249446 control chromosomes (i.e. 11 carriers; gnomAD v2.1 exomes dataset). The available data on variant occurrences in the general population are insufficient to allow clear conclusions about variant significance. To our knowledge, no occurrence of c.1328T>C in individuals affected with FGFR1-Related Disorders and no experimental evidence demonstrating its impact on protein function have been reported. One clinical diagnostic laboratory has submitted clinical-significance assessments for this variant to ClinVar after 2014 and classified the variant as uncertain significance. Based on the evidence outlined above, the variant was classified as VUS-possibly benign.

PreventionGenetics, part of Exact Sciences
Classification: Uncertain significance for FGFR1-related condition. Last evaluated: 2024-01-04. Review status: no assertion criteria provided. Collection method: clinical testing. Allele origin: germline. Not counted in ClinVar's aggregate classification.
Comment: The FGFR1 c.1328T>C variant is predicted to result in the amino acid substitution p.Leu443Pro. To our knowledge, this variant has not been reported in the literature. This variant is reported in 0.032% of alleles in individuals of Latino descent in gnomAD. At this time, the clinical significance of this variant is uncertain due to the absence of conclusive functional and genetic evidence.

NM_023110.3(FGFR1):c.1328T>C (p.Leu443Pro)

Gene: FGFR1 (fibroblast growth factor receptor 1; minus strand). Cytogenetic location: 8p11.23.
Variant type: single nucleotide variant.
Coding change: c.1328T>C on transcript NM_023110.3 (MANE Select); coding-DNA position 1328, T replaced by C.
Protein change: p.Leu443Pro; replaces leucine 443 with proline.
Molecular consequence: missense variant.
Genome position (GRCh38, 1-based): chr8:38,418,330, A>G on the plus strand (T>C on the coding strand, the complement: FGFR1 is on the minus strand). VCF-style: chr8-38418330-A-G. GRCh37 (hg19) VCF-style: chr8-38275848-A-G.
Other names: c.1328T>C, p.Leu443Pro (NM_000604.2); c.1322T>C, p.Leu441Pro (NM_001174063.2, NM_001174065.2, NM_001354367.2 and 1 more transcripts); c.1298T>C, p.Leu433Pro (NM_001174064.2); c.1061T>C, p.Leu354Pro (NM_001174066.2, NM_023105.3); c.1421T>C, p.Leu474Pro (NM_001174067.2); c.1049T>C, p.Leu350Pro (NM_001354368.2); c.1316T>C, p.Leu439Pro (NM_001354369.2, NM_001410922.1); c.1055T>C, p.Leu352Pro (NM_001354370.2, NM_023106.3); short protein forms L350P, L354P, L439P, L433P, L441P, L474P, L352P, L443P.
Identifiers: ClinVar variation 1983827 (VCV001983827.7), dbSNP rs756375285, ClinGen allele CA4718414.